The following is an entry in ClinVar:

ClinVar aggregate classification (germline): Uncertain significance (1 of 4 stars; one submission).

Allele frequency attached by ClinVar (database versions not stated): ExAC 0.00001; gnomAD exomes 0.00001; TOPMed 0.00001.
gnomAD v4.1: 12 of 1,614,272 alleles (0.00074%); highest among the groups gnomAD compares: Non-Finnish European, 0.001%; no homozygotes.

Submission:

Labcorp Genetics (formerly Invitae), Labcorp
Classification: Uncertain significance. Last evaluated: 2023-03-07. Review status: criteria provided, single submitter. Criteria: Invitae Variant Classification Sherloc (09022015). Collection method: clinical testing. Allele origin: germline.
Comment: This sequence change replaces glutamic acid, which is acidic and polar, with lysine, which is basic and polar, at codon 34 of the MYLK3 protein (p.Glu34Lys). This variant is present in population databases (rs779225675, gnomAD 0.0009%). This variant has not been reported in the literature in individuals affected with MYLK3-related conditions. ClinVar contains an entry for this variant (Variation ID: 1469428). An algorithm developed to predict the effect of missense changes on protein structure and function (PolyPhen-2) suggests that this variant is likely to be disruptive. In summary, the available evidence is currently insufficient to determine the role of this variant in disease. Therefore, it has been classified as a Variant of Uncertain Significance.

NM_182493.3(MYLK3):c.100G>A (p.Glu34Lys)

Gene: MYLK3 (myosin light chain kinase 3; minus strand). Cytogenetic location: 16q11.2.
Variant type: single nucleotide variant.
Coding change: c.100G>A on transcript NM_182493.3 (MANE Select); coding-DNA position 100, G replaced by A.
Protein change: p.Glu34Lys; replaces glutamic acid 34 with lysine.
Molecular consequence: missense variant. On other transcripts: intron variant (1).
Genome position (GRCh38, 1-based): chr16:46,748,094, C>T on the plus strand (G>A on the coding strand, the complement: MYLK3 is on the minus strand). VCF-style: chr16-46748094-C-T. GRCh37 (hg19) VCF-style: chr16-46782006-C-T.
Other names: c.-113-7947G>A (NM_001308301.1); short protein forms E34K.
Identifiers: ClinVar variation 1469428 (VCV001469428.8), dbSNP rs779225675, ClinGen allele CA8038325.